The following is an entry in ClinVar:

ClinVar aggregate classification (germline): Uncertain significance (1 of 4 stars; one submission).

Conditions:
Medium-chain acyl-coenzyme A dehydrogenase deficiency (ACADMD). Also called: Medium chain acyl-CoA dehydrogenase deficiency; MCADH DEFICIENCY; MCADD; MCAD Deficiency; ACADM DEFICIENCY; CARNITINE DEFICIENCY SECONDARY TO MEDIUM-CHAIN ACYL-CoA DEHYDROGENASE DEFICIENCY. Identifiers: Orphanet 42, MedGen C0220710, MONDO:0008721, OMIM 201450.

gnomAD v4.1: 1 of 1,613,792 alleles (0.000062%); highest among the groups gnomAD compares: African/African-American, 0.0013%; no homozygotes.

Submission:

Labcorp Genetics (formerly Invitae), Labcorp
Classification: Uncertain significance for Medium-chain acyl-coenzyme A dehydrogenase deficiency. Last evaluated: 2025-12-20. Review status: criteria provided, single submitter. Criteria: Invitae Variant Classification Sherloc (09022015). Collection method: clinical testing. Allele origin: germline.
Comment: This sequence change replaces serine, which is neutral and polar, with leucine, which is neutral and non-polar, at codon 320 of the ACADM protein (p.Ser320Leu). This variant is present in population databases (no rsID available, gnomAD 0.007%). This variant has not been reported in the literature in individuals affected with ACADM-related conditions. ClinVar contains an entry for this variant (Variation ID: 3673779). Invitae Evidence Modeling of protein sequence and biophysical properties (such as structural, functional, and spatial information, amino acid conservation, physicochemical variation, residue mobility, and thermodynamic stability) indicates that this missense variant is not expected to disrupt ACADM protein function with a negative predictive value of 80%. In summary, the available evidence is currently insufficient to determine the role of this variant in disease. Therefore, it has been classified as a Variant of Uncertain Significance.

NM_000016.6(ACADM):c.959C>T (p.Ser320Leu)

Gene: ACADM (acyl-CoA dehydrogenase medium chain; plus strand). Cytogenetic location: 1p31.1.
Variant type: single nucleotide variant.
Coding change: c.959C>T on transcript NM_000016.6 (MANE Select); coding-DNA position 959, C replaced by T.
Protein change: p.Ser320Leu; replaces serine 320 with leucine.
Molecular consequence: missense variant.
Genome position (GRCh38, 1-based): chr1:75,761,135, C>T. VCF-style: chr1-75761135-C-T. GRCh37 (hg19) VCF-style: chr1-76226820-C-T.
Other names: c.971C>T, p.Ser324Leu (NM_001127328.3); c.851C>T, p.Ser284Leu (NM_001286042.2); c.1058C>T, p.Ser353Leu (NM_001286043.2); c.392C>T, p.Ser131Leu (NM_001286044.2); short protein forms S284L, S131L, S324L, S320L, S353L.
Identifiers: ClinVar variation 3673779 (VCV003673779.2).